The following is an entry in ClinVar:

ClinVar aggregate classification (germline): Uncertain significance (1 of 4 stars; one submission).

Allele frequency attached by ClinVar (database versions not stated): gnomAD 0.00002 and 0.00003; gnomAD exomes 0.00003 and 0.00006; TOPMed 0.00003; ExAC 0.00008; ESP Exome Variant Server 0.00008.
gnomAD v4.1: 52 of 1,613,980 alleles (0.0032%); highest among the groups gnomAD compares: South Asian, 0.0055%; no homozygotes.

Submission:

Labcorp Genetics (formerly Invitae), Labcorp
Classification: Uncertain significance. Last evaluated: 2021-10-15. Review status: criteria provided, single submitter. Criteria: Invitae Variant Classification Sherloc (09022015). Collection method: clinical testing. Allele origin: germline.
Comment: This sequence change replaces serine with arginine at codon 635 of the MAP3K20 protein (p.Ser635Arg). The serine residue is highly conserved and there is a moderate physicochemical difference between serine and arginine. This variant is present in population databases (rs368950216, ExAC 0.03%). This variant has not been reported in the literature in individuals affected with MAP3K20-related conditions. Experimental studies and prediction algorithms are not available or were not evaluated, and the functional significance of this variant is currently unknown. In summary, the available evidence is currently insufficient to determine the role of this variant in disease. Therefore, it has been classified as a Variant of Uncertain Significance.

NM_016653.3(MAP3K20):c.1903A>C (p.Ser635Arg)

Genes: MAP3K20 (mitogen-activated protein kinase kinase kinase 20; plus strand), MAP3K20-AS1 (MAP3K20 antisense RNA 1; minus strand). Cytogenetic location: 2q31.1.
Variant type: single nucleotide variant.
Coding change: c.1903A>C on transcript NM_016653.3 (MANE Select); coding-DNA position 1903, A replaced by C.
Protein change: p.Ser635Arg; replaces serine 635 with arginine.
Molecular consequence: missense variant.
Genome position (GRCh38, 1-based): chr2:173,266,250, A>C. VCF-style: chr2-173266250-A-C. GRCh37 (hg19) VCF-style: chr2-174130978-A-C.
Other names: short protein forms S635R.
Identifiers: ClinVar variation 1352263 (VCV001352263.3), dbSNP rs368950216, ClinGen allele CA1970989.